The following is an entry in ClinVar:

NM_000814.6(GABRB3):c.-667C>T

Gene: GABRB3 (gamma-aminobutyric acid type A receptor subunit beta3; minus strand). Cytogenetic location: 15q12.
Variant type: single nucleotide variant.
Coding change: c.-667C>T on transcript NM_000814.6 (MANE Select); 667 bases upstream of the start codon, C replaced by T.
Molecular consequence: genic upstream transcript variant. On other transcripts: intron variant (1).
Genome position (GRCh38, 1-based): chr15:26,773,629, G>A on the plus strand (C>T on the coding strand, the complement: GABRB3 is on the minus strand). VCF-style: chr15-26773629-G-A. GRCh37 (hg19) VCF-style: chr15-27018776-G-A.
Other names: c.80+16C>T (NM_021912.5).
Identifiers: ClinVar variation 4689444 (VCV004689444.1).

ClinVar aggregate classification (germline): Uncertain significance (1 of 4 stars; one submission).

gnomAD v4.1: 13 of 1,550,156 alleles (0.00084%); highest among the groups gnomAD compares: Non-Finnish European, 0.001%; no homozygotes.

Submission:

Women's Health and Genetics/Laboratory Corporation of America, LabCorp
Classification: Uncertain significance. Last evaluated: 2026-01-13. Review status: criteria provided, single submitter. Criteria: LabCorp Variant Classification Summary - May 2015. Collection method: clinical testing. Allele origin: germline.
Comment: Variant summary: GABRB3 c.-667C>T is located in the untranscribed region upstream of the GABRB3 gene region. The variant allele was found at a frequency of 1.3e-05 in 148900 control chromosomes. The available data on variant occurrences in the general population are insufficient to allow any conclusion about variant significance. To our knowledge, no occurrence of c.-667C>T in individuals affected with GABRB3-related conditions and no experimental evidence demonstrating its impact on protein function have been reported. No submitters have cited clinical-significance assessments for this variant to ClinVar. Based on the evidence outlined above, the variant was classified as uncertain significance.